The following is an entry in ClinVar:

NM_001127671.2(LIFR):c.2336-6A>G

Gene: LIFR (LIF receptor subunit alpha; minus strand). Cytogenetic location: 5p13.1.
Variant type: single nucleotide variant.
Coding change: c.2336-6A>G on transcript NM_001127671.2 (MANE Select); 6 bases into the intron before coding-DNA position 2336, A replaced by G.
Molecular consequence: intron variant.
Genome position (GRCh38, 1-based): chr5:38,485,986, T>C on the plus strand (A>G on the coding strand, the complement: LIFR is on the minus strand). VCF-style: chr5-38485986-T-C. GRCh37 (hg19) VCF-style: chr5-38486088-T-C.
Other names: c.2336-6A>G (NM_002310.6, NM_001364298.2, NM_001364297.2).
Identifiers: ClinVar variation 3662560 (VCV003662560.2).

ClinVar aggregate classification (germline): Uncertain significance (1 of 4 stars; one submission).

gnomAD v4.1: 1 of 1,610,326 alleles (0.000062%); highest among the groups gnomAD compares: Admixed American, 0.0017%; no homozygotes.

Submission:

Labcorp Genetics (formerly Invitae), Labcorp
Classification: Uncertain significance. Last evaluated: 2025-04-14. Review status: criteria provided, single submitter. Criteria: Invitae Variant Classification Sherloc (09022015). Collection method: clinical testing. Allele origin: germline.
Comment: This sequence change falls in intron 16 of the LIFR gene. It does not directly change the encoded amino acid sequence of the LIFR protein. This variant is not present in population databases (gnomAD no frequency). This variant has not been reported in the literature in individuals affected with LIFR-related conditions. ClinVar contains an entry for this variant (Variation ID: 3662560). Algorithms developed to predict the effect of sequence changes on RNA splicing suggest that this variant may disrupt the consensus splice site. In summary, the available evidence is currently insufficient to determine the role of this variant in disease. Therefore, it has been classified as a Variant of Uncertain Significance.